The following is an entry in ClinVar:

NM_001374736.1(DST):c.18050A>G (p.Asn6017Ser)

Gene: DST (dystonin; minus strand). Cytogenetic location: 6p12.1.
Variant type: single nucleotide variant.
Coding change: c.18050A>G on transcript NM_001374736.1 (MANE Select); coding-DNA position 18050, A replaced by G.
Protein change: p.Asn6017Ser; replaces asparagine 6017 with serine.
Molecular consequence: missense variant.
Genome position (GRCh38, 1-based): chr6:56,526,440, T>C on the plus strand (A>G on the coding strand, the complement: DST is on the minus strand). VCF-style: chr6-56526440-T-C. GRCh37 (hg19) VCF-style: chr6-56391238-T-C.
Other names: c.11693A>G, p.Asn3898Ser (NM_001144769.5); c.11279A>G, p.Asn3760Ser (NM_001144770.2); c.18050A>G, p.Asn6017Ser (NM_001374722.1); c.17090A>G, p.Asn5697Ser (NM_001374729.1); c.10832A>G, p.Asn3611Ser (NM_001374730.1); c.18077A>G, p.Asn6026Ser (NM_001374734.1); c.11159A>G, p.Asn3720Ser (NM_001386100.1, NM_183380.4); c.10181A>G, p.Asn3394Ser (NM_015548.5); short protein forms N3611S, N6017S, N3394S, N3760S, N3898S, N3720S, N5697S, N6026S.
Identifiers: ClinVar variation 1506863 (VCV001506863.8), dbSNP rs2096798396, ClinGen allele CA364505736.

ClinVar aggregate classification (germline): Uncertain significance (1 of 4 stars; one submission).

Conditions:
Hereditary sensory and autonomic neuropathy type 6. Also called: Neuropathy, hereditary sensory and autonomic, type VI; HSAN VI. Identifiers: Orphanet 314381, MedGen C3539003, MONDO:0013839, OMIM 614653.
Epidermolysis bullosa simplex 3, localized or generalized intermediate, with BP230 deficiency (EBS3). Also called: Epidermolysis bullosa simplex due to BP230 deficiency; Epidermolysis bullosa simplex, autosomal recessive 2. Identifiers: Orphanet 412181, MedGen C3809470, MONDO:0014180, OMIM 615425.

Allele frequency attached by ClinVar (database versions not stated): gnomAD exomes below 0.00001; gnomAD 0.00001.
gnomAD v4.1: 4 of 1,613,738 alleles (0.00025%); highest among the groups gnomAD compares: Non-Finnish European, 0.00034%; no homozygotes.

Submission:

Labcorp Genetics (formerly Invitae), Labcorp
Classification: Uncertain significance for Epidermolysis bullosa simplex 3, localized or generalized intermediate, with BP230 deficiency; Hereditary sensory and autonomic neuropathy type 6. Last evaluated: 2021-10-21. Review status: criteria provided, single submitter. Criteria: Invitae Variant Classification Sherloc (09022015). Collection method: clinical testing. Allele origin: germline.
Comment: This variant is not present in population databases (ExAC no frequency). This variant has not been reported in the literature in individuals affected with DST-related conditions. Algorithms developed to predict the effect of sequence changes on RNA splicing suggest that this variant may create or strengthen a splice site. In summary, the available evidence is currently insufficient to determine the role of this variant in disease. Therefore, it has been classified as a Variant of Uncertain Significance. This sequence change replaces asparragine with serine at codon 3394 of the DST protein (p.Asn3394Ser). The DST gene has multiple clinically relevant transcripts. This variant occurs in alternate transcript NM_015548.4, and corresponds to NM_001723.5:c.*89077A>G in the primary transcript.